The following is an entry in ClinVar:

ClinVar aggregate classification (germline): Likely benign (1 of 4 stars; one submission).

Submission:

GeneDx
Classification: Likely benign. Last evaluated: 2017-01-16. Review status: criteria provided, single submitter. Criteria: GeneDx Variant Classification (06012015). Collection method: clinical testing. Allele origin: germline. Affected: yes.
Comment: This variant is considered likely benign or benign based on one or more of the following criteria: it is a conservative change, it occurs at a poorly conserved position in the protein, it is predicted to be benign by multiple in silico algorithms, and/or has population frequency not consistent with disease.

NM_000168.6(GLI3):c.680-10C>T

Gene: GLI3 (GLI family zinc finger 3; minus strand). Cytogenetic location: 7p14.1.
Variant type: single nucleotide variant.
Coding change: c.680-10C>T on transcript NM_000168.6 (MANE Select); 10 bases into the intron before coding-DNA position 680, C replaced by T.
Molecular consequence: intron variant.
Genome position (GRCh38, 1-based): chr7:42,045,540, G>A on the plus strand (C>T on the coding strand, the complement: GLI3 is on the minus strand). VCF-style: chr7-42045540-G-A. GRCh37 (hg19) VCF-style: chr7-42085139-G-A.
Identifiers: ClinVar variation 392757 (VCV000392757.1), dbSNP rs1035936832, ClinGen allele CA16605215.